The following is an entry in ClinVar:

NM_001267550.2(TTN):c.98098+5G>C

Genes: TTN (titin; minus strand), TTN-AS1 (TTN antisense RNA 1; plus strand). Cytogenetic location: 2q31.2.
Variant type: single nucleotide variant.
Coding change: c.98098+5G>C on transcript NM_001267550.2 (MANE Select); 5 bases into the intron after coding-DNA position 98098, G replaced by C.
Molecular consequence: intron variant.
Genome position (GRCh38, 1-based): chr2:178,540,063, C>G on the plus strand (G>C on the coding strand, the complement: TTN is on the minus strand). VCF-style: chr2-178540063-C-G. GRCh37 (hg19) VCF-style: chr2-179404790-C-G.
Other names: c.70903+5G>C (NM_003319.4); c.71479+5G>C (NM_133437.4); c.71278+5G>C (NM_133432.3); c.90394+5G>C (NM_133378.4); c.93175+5G>C (NM_001256850.1).
Identifiers: ClinVar variation 3812261 (VCV003812261.1).

ClinVar aggregate classification (germline): Uncertain significance (1 of 4 stars; one submission).

Conditions:
Cardiovascular phenotype. Identifiers: MedGen CN230736.

gnomAD v4.1: 1 of 1,596,314 alleles (0.000063%); highest among the groups gnomAD compares: Non-Finnish European, 0.000085%; no homozygotes.

Submission:

Ambry Genetics
Classification: Uncertain significance for Cardiovascular phenotype. Last evaluated: 2025-02-11. Review status: criteria provided, single submitter. Criteria: Ambry Variant Classification Scheme 2023. Collection method: clinical testing. Allele origin: germline.
Comment: The c.70903+5G>C intronic variant results from a G to C substitution 5 nucleotides after coding exon 178 in the TTN gene. This nucleotide position is well conserved in available vertebrate species. In silico splice site analysis predicts that this alteration will weaken the native splice donor site and may result in the creation or strengthening of a novel splice donor site. Based on the available evidence, the clinical significance of this variant remains unclear.